The following is an entry in ClinVar:

ClinVar aggregate classification (germline): Uncertain significance (1 of 4 stars; one submission).

Conditions:
Holoprosencephaly 3 (HPE3). Identifiers: Orphanet 2162, MedGen C1840529, MONDO:0007733, OMIM 142945.

Allele frequency attached by ClinVar (database versions not stated): gnomAD 0.00001; TOPMed 0.00001.
gnomAD v4.1: 2 of 152,164 alleles (0.0013%); highest among the groups gnomAD compares: Non-Finnish European, 0.0029%; no homozygotes.

Submission:

Labcorp Genetics (formerly Invitae), Labcorp
Classification: Uncertain significance for Holoprosencephaly 3. Last evaluated: 2022-10-25. Review status: criteria provided, single submitter. Criteria: Invitae Variant Classification Sherloc (09022015). Collection method: clinical testing. Allele origin: germline.
Comment: This variant is not present in population databases (gnomAD no frequency). This variant occurs in a non-coding region of the SHH gene. It does not change the encoded amino acid sequence of the SHH protein. In summary, the available evidence is currently insufficient to determine the role of this variant in disease. Therefore, it has been classified as a Variant of Uncertain Significance. Experimental studies and prediction algorithms are not available or were not evaluated, and the effect of this variant on mRNA splicing is currently unknown. This variant has not been reported in the literature in individuals affected with SHH-related conditions.

NC_000007.14:g.156769257C>T

Genes: LMBR1 (limb development membrane protein 1; minus strand), SHH (sonic hedgehog signaling molecule; minus strand). Cytogenetic location: 7q36.3.
Variant type: single nucleotide variant.
Molecular consequence: intron variant (on NM_022458.4).
Genome position: GRCh38 VCF-style: chr7-156769257-C-T. GRCh37 (hg19) VCF-style: chr7-156561951-C-T.
Other names: c.361-5462G>A (NM_001363412.2); c.145-5462G>A (NM_001350954.2); c.424-5462G>A (NM_001363410.2, NM_022458.4, NM_001363409.2 and 1 more transcripts); c.-33-5462G>A (NM_001350958.2, NM_001350956.2, NM_001350955.2 and 1 more transcripts); c.55-5462G>A (NM_001350957.2, NM_001363411.2).
Identifiers: ClinVar variation 2782801 (VCV002782801.3), dbSNP rs1404400429, ClinGen allele CA835794396.